The following is an entry in ClinVar:

NM_000540.3(RYR1):c.1440+74G>A

Gene: RYR1 (ryanodine receptor 1; plus strand). Cytogenetic location: 19q13.2.
Variant type: single nucleotide variant.
Coding change: c.1440+74G>A on transcript NM_000540.3 (MANE Select); 74 bases into the intron after coding-DNA position 1440, G replaced by A.
Molecular consequence: intron variant.
Genome position (GRCh38, 1-based): chr19:38,453,088, G>A. VCF-style: chr19-38453088-G-A. GRCh37 (hg19) VCF-style: chr19-38943728-G-A.
Other names: c.1440+74G>A (NM_001042723.2).
Identifiers: ClinVar variation 133064 (VCV000133064.3), dbSNP rs12460768, ClinGen allele CA024133.
Genomic context (GRCh38, chr19:38,453,088, plus strand): 5'-GAGGGCGGAGCGGGGCCTGTGGGCCCAGGGGGCGGGACCACTGAGGGGCGGGGCCACGGC[G>A]CTGGGCGGGGCAGGGCCTGAGGGACCTGGGGAAGTAGGGTCTGAGAAGGGGGCGGGGCAG-3'

ClinVar aggregate classification (germline): Benign. Review status: criteria provided, multiple submitters, no conflicts (2 of 4 stars). 3 submissions from 3 submitters: Benign (2). 1 of the submissions does not count toward it. Last evaluated 2018-06-14.

Allele frequency attached by ClinVar (database versions not stated): 1000 Genomes Project 0.57228; 1000 Genomes Project 30x 0.57230; TOPMed 0.63820.
gnomAD v4.1: 972,369 of 1,491,336 alleles (65%); highest among the groups gnomAD compares: Middle Eastern, 70%; 321,575 homozygotes.

Submissions (3):

GeneDx
Classification: Benign. Last evaluated: 2018-06-14. Review status: criteria provided, single submitter. Criteria: GeneDx Variant Classification (06012015). Collection method: clinical testing. Allele origin: germline. Affected: yes.
Comment: This variant is considered likely benign or benign based on one or more of the following criteria: it is a conservative change, it occurs at a poorly conserved position in the protein, it is predicted to be benign by multiple in silico algorithms, and/or has population frequency not consistent with disease.

Breakthrough Genomics
Classification: Benign. Review status: criteria provided, single submitter. Criteria: ACMG Guidelines, 2015. Collection method: not provided. Allele origin: germline. Inheritance: Autosomal recessive inheritance. Affected: yes.

RYR1 database
No classification provided. Review status: no classification provided. Collection method: not provided. Allele origin: unknown. Not counted in ClinVar's aggregate classification.